The following is an entry in ClinVar:

NM_004560.4(ROR2):c.879G>C (p.Glu293Asp)

Gene: ROR2 (receptor tyrosine kinase like orphan receptor 2; minus strand). Cytogenetic location: 9q22.31.
Variant type: single nucleotide variant.
Coding change: c.879G>C on transcript NM_004560.4 (MANE Select); coding-DNA position 879, G replaced by C.
Protein change: p.Glu293Asp; replaces glutamic acid 293 with aspartic acid.
Molecular consequence: missense variant.
Genome position (GRCh38, 1-based): chr9:91,733,180, C>G on the plus strand (G>C on the coding strand, the complement: ROR2 is on the minus strand). VCF-style: chr9-91733180-C-G. GRCh37 (hg19) VCF-style: chr9-94495462-C-G.
Other names: c.879G>C, p.Glu293Asp (NM_001318204.2); short protein forms E293D.
Identifiers: ClinVar variation 1380442 (VCV001380442.6), dbSNP rs1445408805, ClinGen allele CA373800736.

ClinVar aggregate classification (germline): Uncertain significance (1 of 4 stars; one submission).

Allele frequency attached by ClinVar (database versions not stated): TOPMed below 0.00001.

Submission:

Labcorp Genetics (formerly Invitae), Labcorp
Classification: Uncertain significance. Last evaluated: 2022-03-02. Review status: criteria provided, single submitter. Criteria: Invitae Variant Classification Sherloc (09022015). Collection method: clinical testing. Allele origin: germline.
Comment: Advanced modeling of protein sequence and biophysical properties (such as structural, functional, and spatial information, amino acid conservation, physicochemical variation, residue mobility, and thermodynamic stability) performed at Invitae indicates that this missense variant is not expected to disrupt ROR2 protein function. This variant has not been reported in the literature in individuals affected with ROR2-related conditions. This variant is not present in population databases (gnomAD no frequency). This sequence change replaces glutamic acid, which is acidic and polar, with aspartic acid, which is acidic and polar, at codon 293 of the ROR2 protein (p.Glu293Asp). In summary, the available evidence is currently insufficient to determine the role of this variant in disease. Therefore, it has been classified as a Variant of Uncertain Significance.